The following is an entry in ClinVar:

ClinVar aggregate classification (germline): Uncertain significance. Review status: criteria provided, multiple submitters, no conflicts (2 of 4 stars). 7 submissions from 4 submitters: Uncertain significance (7). Last evaluated 2026-02-01.

Conditions:
Hemolytic uremic syndrome, atypical, susceptibility to, 1. Also called: AHUS, SUSCEPTIBILITY TO, 1. Identifiers: Orphanet 2134, Orphanet 90038, MedGen C2749604, MONDO:0009335, OMIM 235400. Disease mechanism: Other.
Atypical hemolytic-uremic syndrome. Identifiers: Orphanet 2134, MedGen C2931788, MONDO:0016244.
Basal laminar drusen. Also called: DRUSEN OF BRUCH MEMBRANE; DRUSEN, CUTICULAR; DRUSEN, EARLY ADULT-ONSET, GROUPED. Identifiers: Orphanet 75376, MedGen C0730295, MONDO:0007472, OMIM 126700.
Factor H deficiency (CFHD). Also called: CFH DEFICIENCY; COMPLEMENT FACTOR H DEFICIENCY. Identifiers: Orphanet 200421, MedGen C0398777, MONDO:0012350, OMIM 609814.
Age related macular degeneration 4. Identifiers: MedGen C1853147, MONDO:0012540, OMIM 610698.

gnomAD v4.1: 6 of 1,613,144 alleles (0.00037%); highest among the groups gnomAD compares: Admixed American, 0.0017%; no homozygotes.

Submissions (7):

Labcorp Genetics (formerly Invitae), Labcorp
Classification: Uncertain significance. Last evaluated: 2026-02-01. Review status: criteria provided, single submitter. Criteria: Invitae Variant Classification Sherloc (09022015). Collection method: clinical testing. Allele origin: germline.
Comment: This sequence change replaces arginine, which is basic and polar, with leucine, which is neutral and non-polar, at codon 166 of the CFH protein (p.Arg166Leu). This variant is present in population databases (no rsID available, gnomAD 0.003%). This missense change has been observed in individual(s) with clinical features of hemolytic uremic syndrome (PMID: 24333077). ClinVar contains an entry for this variant (Variation ID: 1364285). An algorithm developed to predict the effect of missense changes on protein structure and function (PolyPhen-2) suggests that this variant is likely to be disruptive. In summary, the available evidence is currently insufficient to determine the role of this variant in disease. Therefore, it has been classified as a Variant of Uncertain Significance.

Genomenon, Inc
Classification: Uncertain significance for Atypical hemolytic-uremic syndrome. Last evaluated: 2025-10-02. Review status: criteria provided, single submitter. Criteria: Genomenon Sequence Variant Interpretation Standards - Updated. Collection method: curation. Allele origin: germline. Affected: yes.
Comment: CFH p.Arg166Leu (c.497G>T) is a missense variant that changes the amino acid at residue 166 from Arginine to Leucine. This variant has been observed in at least one proband affected with atypical hemolytic-uremic syndrome (PMID:24333077). Additional clinical reports have been published (PMID:29148534). Functional studies have been reported (PMID:34189567). It is absent or not present at a significant frequency in gnomAD. In silico models agree that this variant is possibly or probably damaging. In conclusion, we classify CFH p.Arg166Leu (c.497G>T) as a variant of uncertain significance.

Fulgent Genetics
Classification: Uncertain significance for Basal laminar drusen; Hemolytic uremic syndrome, atypical, susceptibility to, 1; Factor H deficiency; Age related macular degeneration 4. Last evaluated: 2024-02-08. Review status: criteria provided, single submitter. Criteria: ACMG Guidelines, 2015. Collection method: clinical testing. Allele origin: germline.

Genome-Nilou Lab
Classification: Uncertain significance for Hemolytic uremic syndrome, atypical, susceptibility to, 1. Last evaluated: 2023-04-11. Review status: criteria provided, single submitter. Criteria: ACMG Guidelines, 2015. Collection method: clinical testing. Allele origin: germline. Affected: no.

Genome-Nilou Lab
Classification: Uncertain significance for Age related macular degeneration 4. Last evaluated: 2023-04-11. Review status: criteria provided, single submitter. Criteria: ACMG Guidelines, 2015. Collection method: clinical testing. Allele origin: germline. Affected: no.

Genome-Nilou Lab
Classification: Uncertain significance for Basal laminar drusen. Last evaluated: 2023-04-11. Review status: criteria provided, single submitter. Criteria: ACMG Guidelines, 2015. Collection method: clinical testing. Allele origin: germline. Affected: no.

Genome-Nilou Lab
Classification: Uncertain significance for Factor H deficiency. Last evaluated: 2023-04-11. Review status: criteria provided, single submitter. Criteria: ACMG Guidelines, 2015. Collection method: clinical testing. Allele origin: germline. Affected: no.

Literature cited by the submitters: PubMed 24333077 (cited by Labcorp Genetics (formerly Invitae), Labcorp and Genomenon, Inc); PubMed 29148534 (cited by Genomenon, Inc); PubMed 34189567 (cited by Genomenon, Inc).

NM_000186.4(CFH):c.497G>T (p.Arg166Leu)

Gene: CFH (complement factor H; plus strand). Cytogenetic location: 1q31.3.
Variant type: single nucleotide variant.
Coding change: c.497G>T on transcript NM_000186.4 (MANE Select); coding-DNA position 497, G replaced by T.
Protein change: p.Arg166Leu; replaces arginine 166 with leucine.
Molecular consequence: missense variant.
Genome position (GRCh38, 1-based): chr1:196,677,545, G>T. VCF-style: chr1-196677545-G-T. GRCh37 (hg19) VCF-style: chr1-196646675-G-T.
Other names: c.497G>T, p.Arg166Leu (NM_001014975.3); short protein forms R166L.
Identifiers: ClinVar variation 1364285 (VCV001364285.12), dbSNP rs770339409, ClinGen allele CA343977116.
Genomic context (GRCh38, chr1:196,677,545, plus strand): 5'-GTTTACCAGTGACAGCACCAGAGAATGGAAAAATTGTCAGTAGTGCAATGGAACCAGATC[G>T]GGAATACCATTTTGGACAAGCAGTACGGTTTGTATGTAACTCAGGCTACAAGATTGAAGG-3'
Protein context (NP_000177.2, residues 156-176): KIVSSAMEPD[Arg166Leu]EYHFGQAVRF